The following is an entry in ClinVar:

ClinVar aggregate classification (germline): Uncertain significance (1 of 4 stars; one submission).

Conditions:
Peroxisome biogenesis disorder 2B (PBD2B). Identifiers: Orphanet 44, MedGen C3550234, MONDO:0008736, OMIM 202370.

Allele frequency attached by ClinVar (database versions not stated): gnomAD exomes below 0.00001.
gnomAD v4.1: 3 of 1,613,850 alleles (0.00019%); highest among the groups gnomAD compares: South Asian, 0.0011%; no homozygotes.

Submission:

Labcorp Genetics (formerly Invitae), Labcorp
Classification: Uncertain significance for Peroxisome biogenesis disorder 2B. Last evaluated: 2022-10-13. Review status: criteria provided, single submitter. Criteria: Invitae Variant Classification Sherloc (09022015). Collection method: clinical testing. Allele origin: germline.
Comment: This sequence change replaces arginine, which is basic and polar, with glutamine, which is neutral and polar, at codon 301 of the PEX5 protein (p.Arg301Gln). This variant is not present in population databases (gnomAD no frequency). This variant has not been reported in the literature in individuals affected with PEX5-related conditions. ClinVar contains an entry for this variant (Variation ID: 1056757). Advanced modeling of protein sequence and biophysical properties (such as structural, functional, and spatial information, amino acid conservation, physicochemical variation, residue mobility, and thermodynamic stability) performed at Invitae indicates that this missense variant is not expected to disrupt PEX5 protein function. In summary, the available evidence is currently insufficient to determine the role of this variant in disease. Therefore, it has been classified as a Variant of Uncertain Significance.

NM_001351132.2(PEX5):c.902G>A (p.Arg301Gln)

Gene: PEX5 (peroxisomal biogenesis factor 5; plus strand). Cytogenetic location: 12p13.31.
Variant type: single nucleotide variant.
Coding change: c.902G>A on transcript NM_001351132.2 (MANE Select); coding-DNA position 902, G replaced by A.
Protein change: p.Arg301Gln; replaces arginine 301 with glutamine.
Molecular consequence: missense variant.
Genome position (GRCh38, 1-based): chr12:7,203,487, G>A. VCF-style: chr12-7203487-G-A. GRCh37 (hg19) VCF-style: chr12-7356083-G-A.
Other names: c.878G>A, p.Arg293Gln (NM_000319.5); c.947G>A, p.Arg316Gln (NM_001131023.2); c.791G>A, p.Arg264Gln (NM_001131024.2, NM_001351124.3, NM_001351126.2 and 7 more transcripts); c.902G>A, p.Arg301Gln (NM_001131025.2, NM_001131026.2, NM_001300789.3 and 5 more transcripts); c.836G>A, p.Arg279Gln (NM_001351135.3, NM_001351138.2); c.767G>A, p.Arg256Gln (NM_001351139.2, NM_001351140.2, NM_001374649.2); short protein forms R256Q, R264Q, R279Q, R293Q, R301Q, R316Q.
Identifiers: ClinVar variation 1056757 (VCV001056757.6), dbSNP rs2136175132, ClinGen allele CA383726813.
Genomic context (GRCh38, chr12:7,203,487, plus strand): 5'-TACAGTCTGATGTCGATTTCTGGGACAAGTTGCAGGCAGAGTTGGAGGAGATGGCAAAAC[G>A]GGATGCTGAGGCCCACCCCTGGCTTTCTGACTATGATGACCTTACGTCAGCTACCTATGA-3'
Protein context (NP_001338061.1, residues 291-311): LQAELEEMAK[Arg301Gln]DAEAHPWLSD